The following is an entry in ClinVar:

ClinVar aggregate classification (germline): Pathogenic (1 of 4 stars; one submission).

Conditions:
Osteogenesis imperfecta type I (OI1). Also called: OI, TYPE I; OSTEOGENESIS IMPERFECTA TARDA; OSTEOGENESIS IMPERFECTA WITH BLUE SCLERAE; Osteogenesis imperfecta type 1; Classic Non-deforming Osteogenesis Imperfecta with Blue Sclerae; Lobstein's Disease. Identifiers: Orphanet 216796, Orphanet 666, MedGen C0023931, MONDO:0008146, OMIM 166200. Disease mechanism: loss of function.

Submission:

Labcorp Genetics (formerly Invitae), Labcorp
Classification: Pathogenic for Osteogenesis imperfecta type I. Last evaluated: 2025-03-11. Review status: criteria provided, single submitter. Criteria: Invitae Variant Classification Sherloc (09022015). Collection method: clinical testing. Allele origin: germline.
Comment: This sequence change creates a premature translational stop signal (p.Pro1024Leufs*84) in the COL1A1 gene. It is expected to result in an absent or disrupted protein product. Loss-of-function variants in COL1A1 are known to be pathogenic (PMID: 7942841, 9295084, 9443882). This variant is not present in population databases (gnomAD no frequency). This variant has not been reported in the literature in individuals affected with COL1A1-related conditions. For these reasons, this variant has been classified as Pathogenic.

Literature cited by the submitters: PubMed 7942841; PubMed 9295084; PubMed 9443882.

NM_000088.4(COL1A1):c.3071del (p.Pro1024fs)

Gene: COL1A1 (collagen type I alpha 1 chain; minus strand). Cytogenetic location: 17q21.33.
Variant type: Deletion.
Coding change: c.3071del on transcript NM_000088.4 (MANE Select); coding-DNA position 3071, one base deleted (C; older notation c.3071delC).
Protein change: p.Pro1024fs; shifts the reading frame from proline 1024.
Molecular consequence: frameshift variant.
Genome position (GRCh38, 1-based): chr17:50,188,770, G deleted on the plus strand (C on the coding strand, the reverse complement: COL1A1 is on the minus strand); the first of 4 consecutive G bases (chr17:50,188,770-50,188,773); deleting any one gives the same sequence. VCF-style (leftmost placement, unchanged base first): chr17-50188769-AG-A. GRCh37 (hg19) VCF-style: chr17-48266130-AG-A.
Other names: short protein forms P1024fs.
Identifiers: ClinVar variation 4714068 (VCV004714068.1).